The following is an entry in ClinVar:

NM_000051.4(ATM):c.7453T>G (p.Phe2485Val)

Genes: ATM (ATM serine/threonine kinase; plus strand), C11orf65 (chromosome 11 open reading frame 65; minus strand). Cytogenetic location: 11q22.3.
Variant type: single nucleotide variant.
Coding change: c.7453T>G on transcript NM_000051.4 (MANE Select); coding-DNA position 7453, T replaced by G.
Protein change: p.Phe2485Val; replaces phenylalanine 2485 with valine.
Molecular consequence: missense variant. On other transcripts: intron variant (2).
Genome position (GRCh38, 1-based): chr11:108,330,359, T>G. VCF-style: chr11-108330359-T-G. GRCh37 (hg19) VCF-style: chr11-108201086-T-G.
Other names: c.7453T>G, p.Phe2485Val (NM_001351834.2); c.641-21288A>C (NM_001330368.2); c.*38+4861A>C (NM_001351110.2); short protein forms F2485V.
Identifiers: ClinVar variation 1495731 (VCV001495731.6), dbSNP rs2136460721, ClinGen allele CA382560362.

ClinVar aggregate classification (germline): Uncertain significance (1 of 4 stars; one submission).

Conditions:
Ataxia-telangiectasia syndrome (AT). Also called: LOUIS-BAR SYNDROME; Cerebello-oculocutaneous telangiectasia; Immunodeficiency with ataxia telangiectasia; Ataxia telangiectasia (A-T); Ataxia-telangiectasia, complementation group D; AT, COMPLEMENTATION GROUP C. Identifiers: Orphanet 100, MedGen C0004135, MONDO:0008840, OMIM 208900.

Submission:

Labcorp Genetics (formerly Invitae), Labcorp
Classification: Uncertain significance for Ataxia-telangiectasia syndrome. Last evaluated: 2021-09-01. Review status: criteria provided, single submitter. Criteria: Invitae Variant Classification Sherloc (09022015). Collection method: clinical testing. Allele origin: germline.
Comment: This sequence change replaces phenylalanine with valine at codon 2485 of the ATM protein (p.Phe2485Val). The phenylalanine residue is highly conserved and there is a small physicochemical difference between phenylalanine and valine. This variant is not present in population databases (ExAC no frequency). This variant has not been reported in the literature in individuals affected with ATM-related conditions. Advanced modeling of protein sequence and biophysical properties (such as structural, functional, and spatial information, amino acid conservation, physicochemical variation, residue mobility, and thermodynamic stability) performed at Invitae indicates that this missense variant is expected to disrupt ATM protein function. In summary, the available evidence is currently insufficient to determine the role of this variant in disease. Therefore, it has been classified as a Variant of Uncertain Significance.